The following is an entry in ClinVar:

ClinVar aggregate classification (germline): Uncertain significance (1 of 4 stars; one submission).

Conditions:
Hereditary cancer-predisposing syndrome. Also called: Neoplastic Syndromes, Hereditary; Tumor predisposition; Hereditary neoplastic syndrome; Hereditary Cancer Syndrome. Identifiers: Orphanet 140162, MedGen C0027672, MeSH D009386, MONDO:0015356.

Submission:

Ambry Genetics
Classification: Uncertain significance for Hereditary cancer-predisposing syndrome. Last evaluated: 2023-10-06. Review status: criteria provided, single submitter. Criteria: Ambry Variant Classification Scheme 2023. Collection method: clinical testing. Allele origin: germline.
Comment: The c.3280dupA variant, located in coding exon 20 of the RET gene, results from a duplication of A at nucleotide position 3280, causing a translational frameshift with a predicted alternate stop codon (p.S1094Kfs*5). This alteration occurs at the 3' terminus of theRET gene, is not expected to trigger nonsense-mediated mRNAdecay, and only impacts the last 21 amino acids of the protein. The exact functional effect of this alteration is unknown. Based on the supporting evidence, the association of this alteration with Hirschsprung disease is unknown; however, the association of this alteration with MEN2 is unlikely.

NM_020975.6(RET):c.3280dup (p.Ser1094fs)

Gene: RET (ret proto-oncogene; plus strand). Cytogenetic location: 10q11.21.
Variant type: Duplication.
Coding change: c.3280dup on transcript NM_020975.6 (MANE Select); coding-DNA position 3280, one base duplicated (A; older notation c.3280dupA).
Protein change: p.Ser1094fs; shifts the reading frame from serine 1094.
Molecular consequence: frameshift variant. On other transcripts: 3 prime UTR variant (18), intron variant (3).
Genome position (GRCh38, 1-based): chr10:43,128,204, A duplicated. VCF-style (leftmost placement, unchanged base first): chr10-43128203-T-TA. GRCh37 (hg19) VCF-style: chr10-43623651-T-TA.
Other names: c.3280dup, p.Ser1094Lysfs (NM_000323.2); c.*1450dup (NM_001355216.2, NM_001406764.1, NM_001406765.1 and 15 more transcripts); c.3280dup, p.Ser1094fs (NM_001406743.1); c.3220dup, p.Ser1074fs (NM_001406759.1, NM_001406760.1); c.3151dup, p.Ser1051fs (NM_001406761.1, NM_001406762.1); c.3145dup, p.Ser1049fs (NM_001406763.1); c.2992dup, p.Ser998fs (NM_001406766.1, NM_001406767.1); c.2884dup, p.Ser962fs (NM_001406769.1); and 12 more; short protein forms S1049fs, S1051fs, S1074fs, S1094fs, S591fs, S611fs, S699fs, S752fs.
Identifiers: ClinVar variation 3227554 (VCV003227554.1), dbSNP rs2538662194, ClinGen allele CA2825001673.